The following is an entry in ClinVar:

ClinVar aggregate classification (germline): Uncertain significance (0 of 4 stars; one submission).

Conditions:
SEMA3B-related disorder. Also called: SEMA3B-related condition.

Submission:

PreventionGenetics, part of Exact Sciences
Classification: Uncertain significance for SEMA3B-related condition. Last evaluated: 2024-02-12. Review status: no assertion criteria provided. Collection method: clinical testing. Allele origin: germline.
Comment: The SEMA3B c.650C>G variant is predicted to result in the amino acid substitution p.Ser217Cys. To our knowledge, this variant has not been reported in the literature or in gnomAD, indicating this variant is rare. At this time, the clinical significance of this variant is uncertain due to the absence of conclusive functional and genetic evidence.

NM_001290060.2(SEMA3B):c.650C>G (p.Ser217Cys)

Gene: SEMA3B (semaphorin 3B; plus strand). Cytogenetic location: 3p21.31.
Variant type: single nucleotide variant.
Coding change: c.650C>G on transcript NM_001290060.2 (MANE Select); coding-DNA position 650, C replaced by G.
Protein change: p.Ser217Cys; replaces serine 217 with cysteine.
Molecular consequence: missense variant.
Genome position (GRCh38, 1-based): chr3:50,271,466, C>G. VCF-style: chr3-50271466-C-G. GRCh37 (hg19) VCF-style: chr3-50308897-C-G.
Other names: c.650C>G, p.Ser217Cys (NM_001290061.1, NM_004636.4, NM_001005914.3); short protein forms S217C.
Identifiers: ClinVar variation 3349356 (VCV003349356.1).
Genomic context (GRCh38, chr3:50,271,466, plus strand): 5'-ACTTTACCATCTTTCGCAGCCTAGGGCAACGTCCAAGTCTCCGAACAGAGCCACACGACT[C>G]CCGCTGGCTCAATGGTGAGAGGCTGGTGGGGTTGGTGGGTAGAGGTCGTCACCCTCCCAC-3'
Protein context (NP_001276989.1, residues 207-227): RPSLRTEPHD[Ser217Cys]RWLNEPKFVK